The following is an entry in ClinVar:

ClinVar aggregate classification (germline): Conflicting classifications of pathogenicity. Review status: criteria provided, conflicting classifications (1 of 4 stars). 2 submissions from 2 submitters: Uncertain significance (1); Likely benign (1). Last evaluated 2021-11-23.

Conditions:
Inborn genetic diseases. Identifiers: MedGen C0950123, MeSH D030342.
Deficiency of 2-methylbutyryl-CoA dehydrogenase (ACADSB). Also called: 2-methylbutyryl-CoA dehydrogenase deficiency; SBCAD deficiency; 2-methylbutyric aciduria; Short branched-chain acyl-CoA dehydrogenase deficiency; 2-methylbutyrylglycinuria. Identifiers: Orphanet 79157, MedGen C1864912, MONDO:0012392, OMIM 610006, HP:0020147.

Allele frequency attached by ClinVar (database versions not stated): ExAC 0.00003; gnomAD 0.00006; TOPMed 0.00010; ESP Exome Variant Server 0.00015.
gnomAD v4.1: 53 of 1,611,988 alleles (0.0033%); highest among the groups gnomAD compares: Admixed American, 0.025%; no homozygotes.

Submissions (2):

Ambry Genetics
Classification: Likely benign for Inborn genetic diseases. Last evaluated: 2021-11-23. Review status: criteria provided, single submitter. Criteria: Ambry Variant Classification Scheme 2023. Collection method: clinical testing. Allele origin: germline.

Labcorp Genetics (formerly Invitae), Labcorp
Classification: Uncertain significance for Deficiency of 2-methylbutyryl-CoA dehydrogenase. Last evaluated: 2021-08-26. Review status: criteria provided, single submitter. Criteria: Invitae Variant Classification Sherloc (09022015). Collection method: clinical testing. Allele origin: germline.
Comment: This sequence change replaces valine with methionine at codon 339 of the ACADSB protein (p.Val339Met). The valine residue is moderately conserved and there is a small physicochemical difference between valine and methionine. This variant is present in population databases (rs150034487, ExAC 0.02%). This variant has not been reported in the literature in individuals affected with ACADSB-related conditions. Algorithms developed to predict the effect of missense changes on protein structure and function output the following: SIFT: "Deleterious"; PolyPhen-2: "Possibly Damaging"; Align-GVGD: "Class C0". The methionine amino acid residue is found in multiple mammalian species, which suggests that this missense change does not adversely affect protein function. In summary, the available evidence is currently insufficient to determine the role of this variant in disease. Therefore, it has been classified as a Variant of Uncertain Significance.

NM_001609.4(ACADSB):c.1015G>A (p.Val339Met)

Gene: ACADSB (acyl-CoA dehydrogenase short/branched chain; plus strand). Cytogenetic location: 10q26.13.
Variant type: single nucleotide variant.
Coding change: c.1015G>A on transcript NM_001609.4 (MANE Select); coding-DNA position 1015, G replaced by A.
Protein change: p.Val339Met; replaces valine 339 with methionine.
Molecular consequence: missense variant.
Genome position (GRCh38, 1-based): chr10:123,051,073, G>A. VCF-style: chr10-123051073-G-A. GRCh37 (hg19) VCF-style: chr10-124810589-G-A.
Other names: c.709G>A, p.Val237Met (NM_001330174.3); c.1015G>A (NM_001609.3); short protein forms V237M, V339M.
Identifiers: ClinVar variation 1003861 (VCV001003861.6), dbSNP rs150034487, ClinGen allele CA5730898.